The following is an entry in ClinVar:

NM_006206.6(PDGFRA):c.83C>T (p.Pro28Leu)

Gene: PDGFRA (platelet derived growth factor receptor alpha; plus strand). Cytogenetic location: 4q12.
Variant type: single nucleotide variant.
Coding change: c.83C>T on transcript NM_006206.6 (MANE Select); coding-DNA position 83, C replaced by T.
Protein change: p.Pro28Leu; replaces proline 28 with leucine.
Molecular consequence: missense variant.
Genome position (GRCh38, 1-based): chr4:54,261,128, C>T. VCF-style: chr4-54261128-C-T. GRCh37 (hg19) VCF-style: chr4-55127295-C-T.
Other names: c.83C>T, p.Pro28Leu (NM_001347827.2, NM_001347829.2); c.158C>T, p.Pro53Leu (NM_001347828.2); c.122C>T, p.Pro41Leu (NM_001347830.2); short protein forms P28L, P41L, P53L.
Identifiers: ClinVar variation 3621338 (VCV003621338.2).

ClinVar aggregate classification (germline): Uncertain significance. Review status: criteria provided, multiple submitters, no conflicts (2 of 4 stars). 2 submissions from 2 submitters: Uncertain significance (2). Last evaluated 2025-12-31.

Conditions:
Gastrointestinal stromal tumor. Also called: Gastrointestinal stromal tumor, somatic; Gastrointestinal stroma tumor. Identifiers: Orphanet 44890, MedGen C0238198, MeSH D046152, MONDO:0011719, OMIM 606764, HP:0100723.
Hereditary cancer-predisposing syndrome. Also called: Neoplastic Syndromes, Hereditary; Tumor predisposition; Hereditary Cancer Syndrome; Hereditary neoplastic syndrome. Identifiers: Orphanet 140162, MedGen C0027672, MeSH D009386, MONDO:0015356.

Submissions (2):

Labcorp Genetics (formerly Invitae), Labcorp
Classification: Uncertain significance for Gastrointestinal stromal tumor. Last evaluated: 2025-12-31. Review status: criteria provided, single submitter. Criteria: Invitae Variant Classification Sherloc (09022015). Collection method: clinical testing. Allele origin: germline.
Comment: This sequence change replaces proline, which is neutral and non-polar, with leucine, which is neutral and non-polar, at codon 28 of the PDGFRA protein (p.Pro28Leu). This variant is not present in population databases (gnomAD no frequency). This variant has not been reported in the literature in individuals affected with PDGFRA-related conditions. ClinVar contains an entry for this variant (Variation ID: 3621338). Invitae Evidence Modeling of protein sequence and biophysical properties (such as structural, functional, and spatial information, amino acid conservation, physicochemical variation, residue mobility, and thermodynamic stability) indicates that this missense variant is not expected to disrupt PDGFRA protein function with a negative predictive value of 80%. In summary, the available evidence is currently insufficient to determine the role of this variant in disease. Therefore, it has been classified as a Variant of Uncertain Significance.

Ambry Genetics
Classification: Uncertain significance for Hereditary cancer-predisposing syndrome. Last evaluated: 2025-11-18. Review status: criteria provided, single submitter. Criteria: Ambry Variant Classification Scheme 2023. Collection method: clinical testing. Allele origin: germline.
Comment: The p.P28L variant (also known as c.83C>T), located in coding exon 2 of the PDGFRA gene, results from a C to T substitution at nucleotide position 83. The proline at codon 28 is replaced by leucine, an amino acid with similar properties. This amino acid position is highly conserved in available vertebrate species. In addition, the in silico prediction for this alteration is inconclusive. Based on the available evidence, the clinical significance of this variant remains unclear.